The following is an entry in ClinVar:

NM_001903.5(CTNNA1):c.152A>G (p.Lys51Arg)

Gene: CTNNA1 (catenin alpha 1; plus strand). Cytogenetic location: 5q31.2.
Variant type: single nucleotide variant.
Coding change: c.152A>G on transcript NM_001903.5 (MANE Select); coding-DNA position 152, A replaced by G.
Protein change: p.Lys51Arg; replaces lysine 51 with arginine.
Molecular consequence: missense variant. On other transcripts: 5 prime UTR variant (1), intron variant (1).
Genome position (GRCh38, 1-based): chr5:138,783,223, A>G. VCF-style: chr5-138783223-A-G. GRCh37 (hg19) VCF-style: chr5-138118912-A-G.
Other names: c.152A>G, p.Lys51Arg (NM_001290307.3, NM_001323982.2, NM_001323983.1 and 3 more transcripts); c.-55A>G (NM_001290310.3); c.-9+1194A>G (NM_001290309.3); short protein forms K51R.
Identifiers: ClinVar variation 1024611 (VCV001024611.11), dbSNP rs1755328383, ClinGen allele CA361477361.

ClinVar aggregate classification (germline): Uncertain significance. Review status: criteria provided, multiple submitters, no conflicts (2 of 4 stars). 2 submissions from 2 submitters: Uncertain significance (2). Last evaluated 2022-05-26.

Conditions:
Hereditary cancer-predisposing syndrome. Also called: Hereditary Cancer Syndrome; Neoplastic Syndromes, Hereditary; Tumor predisposition; Hereditary neoplastic syndrome. Identifiers: Orphanet 140162, MedGen C0027672, MeSH D009386, MONDO:0015356.

Allele frequency attached by ClinVar (database versions not stated): TOPMed below 0.00001.

Submissions (2):

Ambry Genetics
Classification: Uncertain significance for Hereditary cancer-predisposing syndrome. Last evaluated: 2022-05-26. Review status: criteria provided, single submitter. Criteria: Ambry Variant Classification Scheme 2023. Collection method: clinical testing. Allele origin: germline.
Comment: The p.K51R variant (also known as c.152A>G), located in coding exon 2 of the CTNNA1 gene, results from an A to G substitution at nucleotide position 152. The lysine at codon 51 is replaced by arginine, an amino acid with highly similar properties. This amino acid position is conserved. In addition, this alteration is predicted to be tolerated by in silico analysis. Since supporting evidence is limited at this time, the clinical significance of this alteration remains unclear.

Labcorp Genetics (formerly Invitae), Labcorp
Classification: Uncertain significance. Last evaluated: 2020-02-20. Review status: criteria provided, single submitter. Criteria: Invitae Variant Classification Sherloc (09022015). Collection method: clinical testing. Allele origin: germline.
Comment: In summary, the available evidence is currently insufficient to determine the role of this variant in disease. Therefore, it has been classified as a Variant of Uncertain Significance. Algorithms developed to predict the effect of missense changes on protein structure and function are either unavailable or do not agree on the potential impact of this missense change (SIFT: "Deleterious"; PolyPhen-2: "Benign"; Align-GVGD: "Class C0"). This variant has not been reported in the literature in individuals with CTNNA1-related conditions. This variant is not present in population databases (ExAC no frequency). This sequence change replaces lysine with arginine at codon 51 of the CTNNA1 protein (p.Lys51Arg). The lysine residue is highly conserved and there is a small physicochemical difference between lysine and arginine.